The following is an entry in ClinVar:

ClinVar aggregate classification (germline): Uncertain significance (1 of 4 stars; one submission).

Conditions:
Muscular dystrophy-dystroglycanopathy type B6 (MDDGB6). Also called: MUSCULAR DYSTROPHY, CONGENITAL, LARGE-RELATED; MUSCULAR DYSTROPHY, CONGENITAL, TYPE 1D; MUSCULAR DYSTROPHY-DYSTROGLYCANOPATHY (CONGENITAL WITH IMPAIRED INTELLECTUAL DEVELOPMENT), TYPE B, 6. Identifiers: MedGen C1837229, MONDO:0012138, OMIM 608840.

Allele frequency attached by ClinVar (database versions not stated): gnomAD 0.00003 and 0.00004; TOPMed 0.00003; ESP Exome Variant Server 0.00008.
gnomAD v4.1: 15 of 1,613,982 alleles (0.00093%); highest among the groups gnomAD compares: African/African-American, 0.008%; no homozygotes.

Submission:

Labcorp Genetics (formerly Invitae), Labcorp
Classification: Uncertain significance for Muscular dystrophy-dystroglycanopathy type B6. Last evaluated: 2021-08-14. Review status: criteria provided, single submitter. Criteria: Invitae Variant Classification Sherloc (09022015). Collection method: clinical testing. Allele origin: germline.
Comment: This sequence change replaces alanine with valine at codon 178 of the LARGE1 protein (p.Ala178Val). The alanine residue is moderately conserved and there is a small physicochemical difference between alanine and valine. This variant is not present in population databases (ExAC no frequency). This variant has not been reported in the literature in individuals affected with LARGE1-related conditions. Algorithms developed to predict the effect of missense changes on protein structure and function are either unavailable or do not agree on the potential impact of this missense change (SIFT: "Tolerated"; PolyPhen-2: "Probably Damaging"; Align-GVGD: "Class C0"). In summary, the available evidence is currently insufficient to determine the role of this variant in disease. Therefore, it has been classified as a Variant of Uncertain Significance.

NM_133642.5(LARGE1):c.533C>T (p.Ala178Val)

Gene: LARGE1 (LARGE xylosyl- and glucuronyltransferase 1; minus strand). Cytogenetic location: 22q12.3.
Variant type: single nucleotide variant.
Coding change: c.533C>T on transcript NM_133642.5 (MANE Select); coding-DNA position 533, C replaced by T.
Protein change: p.Ala178Val; replaces alanine 178 with valine.
Molecular consequence: missense variant.
Genome position (GRCh38, 1-based): chr22:33,604,517, G>A on the plus strand (C>T on the coding strand, the complement: LARGE1 is on the minus strand). VCF-style: chr22-33604517-G-A. GRCh37 (hg19) VCF-style: chr22-34000503-G-A.
Other names: c.533C>T, p.Ala178Val (NM_001362949.2, NM_001362951.2, NM_001362953.2 and 7 more transcripts); short protein forms A178V.
Identifiers: ClinVar variation 1493104 (VCV001493104.5), dbSNP rs377460238, ClinGen allele CA323749676.